The following is an entry in ClinVar:

NM_025009.5(CEP135):c.1307G>A (p.Arg436Gln)

Gene: CEP135 (centrosomal protein 135; plus strand). Cytogenetic location: 4q12.
Variant type: single nucleotide variant.
Coding change: c.1307G>A on transcript NM_025009.5 (MANE Select); coding-DNA position 1307, G replaced by A.
Protein change: p.Arg436Gln; replaces arginine 436 with glutamine.
Molecular consequence: missense variant.
Genome position (GRCh38, 1-based): chr4:55,974,803, G>A. VCF-style: chr4-55974803-G-A. GRCh37 (hg19) VCF-style: chr4-56840969-G-A.
Other names: short protein forms R436Q.
Identifiers: ClinVar variation 1517874 (VCV001517874.4), dbSNP rs139171602, ClinGen allele CA2927832.

ClinVar aggregate classification (germline): Uncertain significance (1 of 4 stars; one submission).

Allele frequency attached by ClinVar (database versions not stated): ExAC 0.00017; gnomAD exomes 0.00023 and 0.00052; gnomAD 0.00030 and 0.00031; 1000 Genomes Project 30x 0.00031; TOPMed 0.00034; ESP Exome Variant Server 0.00038; 1000 Genomes Project 0.00040.
gnomAD v4.1: 796 of 1,613,782 alleles (0.049%); highest among the groups gnomAD compares: Non-Finnish European, 0.062%; no homozygotes.

Submission:

Labcorp Genetics (formerly Invitae), Labcorp
Classification: Uncertain significance. Last evaluated: 2024-09-23. Review status: criteria provided, single submitter. Criteria: Invitae Variant Classification Sherloc (09022015). Collection method: clinical testing. Allele origin: germline.
Comment: This sequence change replaces arginine, which is basic and polar, with glutamine, which is neutral and polar, at codon 436 of the CEP135 protein (p.Arg436Gln). This variant is present in population databases (rs139171602, gnomAD 0.05%). This variant has not been reported in the literature in individuals affected with CEP135-related conditions. ClinVar contains an entry for this variant (Variation ID: 1517874). An algorithm developed to predict the effect of missense changes on protein structure and function (PolyPhen-2) suggests that this variant is likely to be disruptive. In summary, the available evidence is currently insufficient to determine the role of this variant in disease. Therefore, it has been classified as a Variant of Uncertain Significance.